The following is an entry in ClinVar:

NM_001382.4(DPAGT1):c.1097T>C (p.Leu366Ser)

Gene: DPAGT1 (dolichyl-phosphate N-acetylglucosaminephosphotransferase 1; minus strand). Cytogenetic location: 11q23.3.
Variant type: single nucleotide variant.
Coding change: c.1097T>C on transcript NM_001382.4 (MANE Select); coding-DNA position 1097, T replaced by C.
Protein change: p.Leu366Ser; replaces leucine 366 with serine.
Molecular consequence: missense variant.
Genome position (GRCh38, 1-based): chr11:119,097,206, A>G on the plus strand (T>C on the coding strand, the complement: DPAGT1 is on the minus strand). VCF-style: chr11-119097206-A-G. GRCh37 (hg19) VCF-style: chr11-118967916-A-G.
Other names: short protein forms L366S.
Identifiers: ClinVar variation 1299537 (VCV001299537.1), dbSNP rs2134898234, ClinGen allele CA382908298.

ClinVar aggregate classification (germline): Likely pathogenic (1 of 4 stars; one submission).

Conditions:
Congenital myasthenic syndrome 13 (CMS13). Also called: Myasthenic syndrome, congenital, with tubular aggregates 2; Myasthenic syndrome, congenital, 13, with tubular aggregates. Identifiers: Orphanet 353327, Orphanet 590, MedGen C3553645, MONDO:0013883, OMIM 614750.

Submission:

Laboratory of Medical Genetics, National & Kapodistrian University of Athens
Classification: Likely pathogenic for Congenital myasthenic syndrome 13. Last evaluated: 2021-08-10. Review status: criteria provided, single submitter. Criteria: ACMG Guidelines, 2015. Collection method: clinical testing. Allele origin: maternal. Affected: yes.
Comment: PM2, PM3, PP2, PP3